The following is an entry in ClinVar:

NM_000059.4(BRCA2):c.8034G>C (p.Arg2678Ser)

Gene: BRCA2 (BRCA2 DNA repair associated; plus strand). Cytogenetic location: 13q13.1.
Variant type: single nucleotide variant.
Coding change: c.8034G>C on transcript NM_000059.4 (MANE Select); coding-DNA position 8034, G replaced by C.
Protein change: p.Arg2678Ser; replaces arginine 2678 with serine.
Molecular consequence: missense variant.
Genome position (GRCh38, 1-based): chr13:32,363,236, G>C. VCF-style: chr13-32363236-G-C. GRCh37 (hg19) VCF-style: chr13-32937373-G-C.
Other names: short protein forms R2678S.
Identifiers: ClinVar variation 441415 (VCV000441415.12), dbSNP rs1204728357, ClinGen allele CA387748965.

ClinVar aggregate classification (germline): Conflicting classifications of pathogenicity. Review status: criteria provided, conflicting classifications (1 of 4 stars). 2 submissions from 2 submitters: Uncertain significance (1); Likely benign (1). Last evaluated 2025-05-16.

Conditions:
Hereditary cancer-predisposing syndrome. Also called: Hereditary Cancer Syndrome; Hereditary neoplastic syndrome; Neoplastic Syndromes, Hereditary; Tumor predisposition. Identifiers: Orphanet 140162, MedGen C0027672, MeSH D009386, MONDO:0015356.
Hereditary breast ovarian cancer syndrome. Also called: Hereditary breast and ovarian cancer; Breast and ovarian cancer; Hereditary breast and ovarian cancer syndrome; Hereditary breast and/or ovarian cancer syndrome; BRCA1- and BRCA2-Associated Hereditary Breast and Ovarian Cancer; Hereditary breast and ovarian cancer syndrome (HBOC). Identifiers: Orphanet 145, MedGen C0677776, MeSH D061325, MONDO:0003582. Disease mechanism: loss of function.

Submissions (2):

Ambry Genetics
Classification: Likely benign for Hereditary cancer-predisposing syndrome. Last evaluated: 2025-05-16. Review status: criteria provided, single submitter. Criteria: Ambry Variant Classification Scheme 2023. Collection method: clinical testing. Allele origin: germline.

Labcorp Genetics (formerly Invitae), Labcorp
Classification: Uncertain significance for Hereditary breast ovarian cancer syndrome. Last evaluated: 2021-09-09. Review status: criteria provided, single submitter. Criteria: Invitae Variant Classification Sherloc (09022015). Collection method: clinical testing. Allele origin: germline.
Comment: This sequence change replaces arginine with serine at codon 2678 of the BRCA2 protein (p.Arg2678Ser). The arginine residue is highly conserved and there is a moderate physicochemical difference between arginine and serine. This variant is not present in population databases (ExAC no frequency). This variant has not been reported in the literature in individuals affected with BRCA2-related conditions. ClinVar contains an entry for this variant (Variation ID: 441415). Advanced modeling of protein sequence and biophysical properties (such as structural, functional, and spatial information, amino acid conservation, physicochemical variation, residue mobility, and thermodynamic stability) performed at Invitae indicates that this missense variant is not expected to disrupt BRCA2 protein function. In summary, the available evidence is currently insufficient to determine the role of this variant in disease. Therefore, it has been classified as a Variant of Uncertain Significance.